The following is an entry in ClinVar:

NM_001394062.1(MACF1):c.22593C>T (p.Asn7531=)

Gene: MACF1 (microtubule actin crosslinking factor 1; plus strand). Cytogenetic location: 1p34.3.
Variant type: single nucleotide variant.
Coding change: c.22593C>T on transcript NM_001394062.1 (MANE Select); coding-DNA position 22593, C replaced by T.
Protein change: p.Asn7531=; no amino-acid change (asparagine 7531 retained).
Molecular consequence: synonymous variant.
Genome position (GRCh38, 1-based): chr1:39,485,719, C>T. VCF-style: chr1-39485719-C-T. GRCh37 (hg19) VCF-style: chr1-39951391-C-T.
Other names: c.10473C>T, p.Asn3491= (NM_001397473.1); c.16218C>T, p.Asn5406= (NM_012090.5).
Identifiers: ClinVar variation 4986845 (VCV004986845.1).

ClinVar aggregate classification (germline): Likely benign (1 of 4 stars; one submission).

Conditions:
MACF1-related disorder. Also called: MACF1-related condition.

gnomAD v4.1: 686 of 1,613,948 alleles (0.043%); highest among the groups gnomAD compares: South Asian, 0.7%; 6 homozygotes.

Submission:

PreventionGenetics, part of Exact Sciences
Classification: Likely benign for MACF1-related condition. Last evaluated: 2025-01-06. Review status: criteria provided, single submitter. Criteria: ACMG Guidelines, 2015. Collection method: clinical testing. Allele origin: germline.
Comment: This variant is classified as likely benign based on ACMG/AMP sequence variant interpretation guidelines (Richards et al. 2015 PMID: 25741868, with internal and published modifications).